The following is an entry in ClinVar:

ClinVar aggregate classification (germline): Uncertain significance (1 of 4 stars; one submission).

Allele frequency attached by ClinVar (database versions not stated): ExAC 0.00004; gnomAD exomes 0.00004 and 0.00007; gnomAD 0.00005 and 0.00006; TOPMed 0.00005; 1000 Genomes Project 0.00020; ESP Exome Variant Server 0.00023; 1000 Genomes Project 30x 0.00031.

Submission:

Labcorp Genetics (formerly Invitae), Labcorp
Classification: Uncertain significance. Last evaluated: 2021-12-02. Review status: criteria provided, single submitter. Criteria: Invitae Variant Classification Sherloc (09022015). Collection method: clinical testing. Allele origin: germline.
Comment: This sequence change replaces arginine, which is basic and polar, with tryptophan, which is neutral and slightly polar, at codon 200 of the PGAP3 protein (p.Arg200Trp). This variant is present in population databases (rs75557131, gnomAD 0.009%). This variant has not been reported in the literature in individuals affected with PGAP3-related conditions. Algorithms developed to predict the effect of missense changes on protein structure and function are either unavailable or do not agree on the potential impact of this missense change (SIFT: "Deleterious"; PolyPhen-2: "Possibly Damaging"; Align-GVGD: "Class C0"). In summary, the available evidence is currently insufficient to determine the role of this variant in disease. Therefore, it has been classified as a Variant of Uncertain Significance.

NM_033419.5(PGAP3):c.598C>T (p.Arg200Trp)

Gene: PGAP3 (post-GPI attachment to proteins phospholipase 3; minus strand). Cytogenetic location: 17q12.
Variant type: single nucleotide variant.
Coding change: c.598C>T on transcript NM_033419.5 (MANE Select); coding-DNA position 598, C replaced by T.
Protein change: p.Arg200Trp; replaces arginine 200 with tryptophan.
Molecular consequence: missense variant. On other transcripts: intron variant (3).
Genome position (GRCh38, 1-based): chr17:39,673,610, G>A on the plus strand (C>T on the coding strand, the complement: PGAP3 is on the minus strand). VCF-style: chr17-39673610-G-A. GRCh37 (hg19) VCF-style: chr17-37829863-G-A.
Other names: c.445C>T, p.Arg149Trp (NM_001291726.2); c.535C>T, p.Arg179Trp (NM_001291728.2); c.433-744C>T (NM_001291733.2); c.494+383C>T (NM_001291732.2); c.557+383C>T (NM_001291730.2); short protein forms R149W, R200W, R179W.
Identifiers: ClinVar variation 1411512 (VCV001411512.5), dbSNP rs75557131, ClinGen allele CA8533298.